The following is an entry in ClinVar:

ClinVar aggregate classification (germline): Uncertain significance. Review status: criteria provided, multiple submitters, no conflicts (2 of 4 stars). 2 submissions from 2 submitters: Uncertain significance (2). Last evaluated 2025-01-09.

Conditions:
Mitochondrial complex II deficiency, nuclear type 1. Also called: SUCCINATE CoQ REDUCTASE DEFICIENCY. Identifiers: Orphanet 3208, MedGen C5700310, MONDO:0100294, OMIM 252011.
Pheochromocytoma/paraganglioma syndrome 5. Also called: Paragangliomas 5; SDHA-Related Hereditary Paraganglioma-Pheochromocytoma Syndrome. Identifiers: Orphanet 29072, MedGen C3279992, MONDO:0013602, OMIM 614165.

Submissions (2):

Quest Diagnostics Nichols Institute San Juan Capistrano
Classification: Uncertain significance. Last evaluated: 2025-01-09. Review status: criteria provided, single submitter. Criteria: Quest Diagnostics criteria. Collection method: clinical testing. Allele origin: unknown.
Comment: The SDHA c.604C>G (p.His202Asp) variant has not been reported in individuals with SDHA-related conditions in the published literature. It also has not been reported in large, multi-ethnic general populations (Genome Aggregation Database). Analysis of this variant using bioinformatics tools for the prediction of the effect of amino acid changes on protein structure and function yielded predictions that this variant is damaging. Based on the available information, we are unable to determine the clinical significance of this variant.

Labcorp Genetics (formerly Invitae), Labcorp
Classification: Uncertain significance for Pheochromocytoma/paraganglioma syndrome 5; Mitochondrial complex II deficiency, nuclear type 1. Last evaluated: 2023-12-18. Review status: criteria provided, single submitter. Criteria: Invitae Variant Classification Sherloc (09022015). Collection method: clinical testing. Allele origin: germline.
Comment: This sequence change replaces histidine, which is basic and polar, with aspartic acid, which is acidic and polar, at codon 202 of the SDHA protein (p.His202Asp). This variant is not present in population databases (gnomAD no frequency). This variant has not been reported in the literature in individuals affected with SDHA-related conditions. Advanced modeling of protein sequence and biophysical properties (such as structural, functional, and spatial information, amino acid conservation, physicochemical variation, residue mobility, and thermodynamic stability) has been performed at Invitae for this missense variant, however the output from this modeling did not meet the statistical confidence thresholds required to predict the impact of this variant on SDHA protein function. In summary, the available evidence is currently insufficient to determine the role of this variant in disease. Therefore, it has been classified as a Variant of Uncertain Significance.

NM_004168.4(SDHA):c.604C>G (p.His202Asp)

Gene: SDHA (succinate dehydrogenase complex flavoprotein subunit A; plus strand). Cytogenetic location: 5p15.33.
Variant type: single nucleotide variant.
Coding change: c.604C>G on transcript NM_004168.4 (MANE Select); coding-DNA position 604, C replaced by G.
Protein change: p.His202Asp; replaces histidine 202 with aspartic acid.
Molecular consequence: missense variant.
Genome position (GRCh38, 1-based): chr5:226,030, C>G. VCF-style: chr5-226030-C-G. GRCh37 (hg19) VCF-style: chr5-226145-C-G.
Other names: c.604C>G (NM_004168.3); c.460C>G, p.His154Asp (NM_001294332.2); c.604C>G, p.His202Asp (NM_001330758.2); short protein forms H202D, H154D.
Identifiers: ClinVar variation 2924607 (VCV002924607.4), dbSNP rs2126550494, ClinGen allele CA359010618.